The following is an entry in ClinVar:

NM_000222.3(KIT):c.1880-3T>C

Gene: KIT (KIT proto-oncogene, receptor tyrosine kinase; plus strand). Cytogenetic location: 4q12.
Variant type: single nucleotide variant.
Coding change: c.1880-3T>C on transcript NM_000222.3 (MANE Select); 3 bases into the intron before coding-DNA position 1880, T replaced by C.
Molecular consequence: intron variant.
Genome position (GRCh38, 1-based): chr4:54,728,008, T>C. VCF-style: chr4-54728008-T-C. GRCh37 (hg19) VCF-style: chr4-55594174-T-C.
Other names: c.1883-3T>C (NM_001385284.1, NM_001385290.1); c.1871-3T>C (NM_001385288.1, NM_001385292.1); c.1880-3T>C (NM_001385285.1, NM_000222.2); c.1868-3T>C (NM_001093772.2, NM_001385286.1).
Identifiers: ClinVar variation 1019565 (VCV001019565.10), dbSNP rs1722349289, ClinGen allele CA1458739616.

ClinVar aggregate classification (germline): Uncertain significance. Review status: criteria provided, multiple submitters, no conflicts (2 of 4 stars). 2 submissions from 2 submitters: Uncertain significance (2). Last evaluated 2025-07-24.

Conditions:
Hereditary cancer-predisposing syndrome. Also called: Tumor predisposition; Neoplastic Syndromes, Hereditary; Hereditary neoplastic syndrome; Hereditary Cancer Syndrome. Identifiers: Orphanet 140162, MedGen C0027672, MeSH D009386, MONDO:0015356.
Gastrointestinal stromal tumor. Also called: Gastrointestinal stromal tumor, somatic; Gastrointestinal stroma tumor. Identifiers: Orphanet 44890, MedGen C0238198, MeSH D046152, MONDO:0011719, OMIM 606764, HP:0100723.

Submissions (2):

Ambry Genetics
Classification: Uncertain significance for Hereditary cancer-predisposing syndrome. Last evaluated: 2025-07-24. Review status: criteria provided, single submitter. Criteria: Ambry Variant Classification Scheme 2023. Collection method: clinical testing. Allele origin: germline.
Comment: The c.1880-3T>C intronic variant results from a T to C substitution 3 nucleotides upstream from coding exon 13 in the KIT gene. This nucleotide position is not well conserved in available vertebrate species. In silico splice site analysis predicts that this alteration will not have any significant effect on splicing. Based on the available evidence, the clinical significance of this variant remains unclear.

Labcorp Genetics (formerly Invitae), Labcorp
Classification: Uncertain significance for Gastrointestinal stromal tumor. Last evaluated: 2020-07-27. Review status: criteria provided, single submitter. Criteria: Invitae Variant Classification Sherloc (09022015). Collection method: clinical testing. Allele origin: germline.
Comment: In summary, the available evidence is currently insufficient to determine the role of this variant in disease. Therefore, it has been classified as a Variant of Uncertain Significance. Nucleotide substitutions within the consensus splice site are a relatively common cause of aberrant splicing (PMID: 17576681, 9536098). Algorithms developed to predict the effect of sequence changes on RNA splicing suggest that this variant is not likely to affect RNA splicing, but this prediction has not been confirmed by published transcriptional studies. This variant has not been reported in the literature in individuals with KIT-related conditions. This variant is not present in population databases (ExAC no frequency). This sequence change falls in intron 12 of the KIT gene. It does not directly change the encoded amino acid sequence of the KIT protein, but it affects a nucleotide within the consensus splice site of the intron.

Literature cited by the submitters: PubMed 17576681 (cited by Labcorp Genetics (formerly Invitae), Labcorp); PubMed 9536098 (cited by Labcorp Genetics (formerly Invitae), Labcorp).